The following is an entry in ClinVar:

ClinVar aggregate classification (germline): Uncertain significance (1 of 4 stars; one submission).

Conditions:
RP1L1-related disorder. Also called: RP1L1-related condition.

gnomAD v4.1: 7 of 1,593,628 alleles (0.00044%); highest among the groups gnomAD compares: South Asian, 0.0011%; no homozygotes.

Submission:

PreventionGenetics, part of Exact Sciences
Classification: Uncertain significance for RP1L1-related condition. Last evaluated: 2025-03-11. Review status: criteria provided, single submitter. Criteria: ACMG Guidelines, 2015. Collection method: clinical testing. Allele origin: germline.
Comment: The RP1L1 c.2687G>A variant is predicted to result in the amino acid substitution p.Gly896Asp. To our knowledge, this variant has not been reported in the literature or in a large population database (gnomAD), indicating this variant is rare. At this time, the clinical significance of this variant is uncertain due to the absence of conclusive functional and genetic evidence.

NM_178857.6(RP1L1):c.2687G>A (p.Gly896Asp)

Gene: RP1L1 (RP1 like 1). Cytogenetic location: 8p23.1.
Variant type: single nucleotide variant.
Coding change: c.2687G>A on transcript NM_178857.6 (MANE Select); coding-DNA position 2687, G replaced by A.
Protein change: p.Gly896Asp; replaces glycine 896 with aspartic acid.
Molecular consequence: missense variant.
Genome position (GRCh38, 1-based): chr8:10,611,411, C>T on the plus strand (G>A on the coding strand, the complement: RP1L1 is on the minus strand). VCF-style: chr8-10611411-C-T. GRCh37 (hg19) VCF-style: chr8-10468921-C-T.
Other names: short protein forms G896D.
Identifiers: ClinVar variation 4981942 (VCV004981942.1).